The following is an entry in ClinVar:

NM_001267550.2(TTN):c.53443A>G (p.Ile17815Val)

Genes: TTN (titin; minus strand), TTN-AS1 (TTN antisense RNA 1; plus strand). Cytogenetic location: 2q31.2.
Variant type: single nucleotide variant.
Coding change: c.53443A>G on transcript NM_001267550.2 (MANE Select); coding-DNA position 53443, A replaced by G.
Protein change: p.Ile17815Val; replaces isoleucine 17815 with valine.
Molecular consequence: missense variant.
Genome position (GRCh38, 1-based): chr2:178,607,159, T>C on the plus strand (A>G on the coding strand, the complement: TTN is on the minus strand). VCF-style: chr2-178607159-T-C. GRCh37 (hg19) VCF-style: chr2-179471886-T-C.
Other names: c.48520A>G, p.Ile16174Val (NM_001256850.1); c.26248A>G, p.Ile8750Val (NM_003319.4); c.45739A>G, p.Ile15247Val (NM_133378.4); c.26623A>G, p.Ile8875Val (NM_133432.3); c.26824A>G, p.Ile8942Val (NM_133437.4); short protein forms I15247V, I17815V, I16174V, I8942V, I8750V, I8875V.
Identifiers: ClinVar variation 498194 (VCV000498194.5), dbSNP rs368065637, ClinGen allele CA1993810.
Genomic context (GRCh38, chr2:178,607,159, plus strand): 5'-ACTTATATTCTTGTCCCTCAAGCAGACCTGTGATGTCACATTTAGATCTCTCAGTCTCTA[T>C]TGGTTGTCTCCAAGTATGCATCTTGGCATCTTTTCTTTCAATGATAAAGCCTGTTATTTC-3'
Protein context (NP_001254479.2, residues 17805-17825): DAKMHTWRQP[Ile17815Val]ETERSKCDIT

ClinVar aggregate classification (germline): Conflicting classifications of pathogenicity. Review status: criteria provided, conflicting classifications (1 of 4 stars). 2 submissions from 2 submitters: Uncertain significance (1); Likely benign (1). Last evaluated 2017-04-18.

Allele frequency attached by ClinVar (database versions not stated): ExAC 0.00002; gnomAD 0.00002; gnomAD exomes 0.00002 and 0.00004; TOPMed 0.00003; ESP Exome Variant Server 0.00017.
gnomAD v4.1: 60 of 1,612,932 alleles (0.0037%); highest among the groups gnomAD compares: Middle Eastern, 0.016%; no homozygotes.

Submissions (2):

GeneDx
Classification: Likely benign. Last evaluated: 2017-04-18. Review status: criteria provided, single submitter. Criteria: GeneDx Variant Classification (06012015). Collection method: clinical testing. Allele origin: germline. Affected: yes.
Comment: This variant is considered likely benign or benign based on one or more of the following criteria: it is a conservative change, it occurs at a poorly conserved position in the protein, it is predicted to be benign by multiple in silico algorithms, and/or has population frequency not consistent with disease.

Eurofins Ntd Llc (ga)
Classification: Uncertain significance. Last evaluated: 2016-11-06. Review status: criteria provided, single submitter. Criteria: EGL Classification Definitions 2015. Collection method: clinical testing. Allele origin: germline. Observed: 1 variant allele, 1 heterozygote.